The following is an entry in ClinVar:

NM_001378454.1(ALMS1):c.7541-33T>C

Gene: ALMS1 (ALMS1 centrosome and basal body associated protein; plus strand). Cytogenetic location: 2p13.1.
Variant type: single nucleotide variant.
Coding change: c.7541-33T>C on transcript NM_001378454.1 (MANE Select); 33 bases into the intron before coding-DNA position 7541, T replaced by C.
Molecular consequence: intron variant.
Genome position (GRCh38, 1-based): chr2:73,455,129, T>C. VCF-style: chr2-73455129-T-C. GRCh37 (hg19) VCF-style: chr2-73682256-T-C.
Other names: c.7541-33T>C (NM_015120.4); c.7544-33T>C (NM_015120.4).
Identifiers: ClinVar variation 680048 (VCV000680048.1), dbSNP rs28730856, ClinGen allele CA1714267.
Genomic context (GRCh38, chr2:73,455,129, plus strand): 5'-TAAATTGCATATATTGATGATCTTCTGTGTTGCAATTGTTGACAAATTATCACTTTTGCA[T>C]TGTATTATCTCAAGTGTATGCTTTCTCTCCAGCCTGGAATATGAAGTTCAATTTAGCACA-3'

ClinVar aggregate classification (germline): Likely benign (1 of 4 stars; one submission).

Allele frequency attached by ClinVar (database versions not stated): gnomAD exomes 0.00032 and 0.00079; ExAC 0.00096; 1000 Genomes Project 0.00240; gnomAD 0.00306 and 0.00332; ESP Exome Variant Server 0.00342; TOPMed 0.00354; 1000 Genomes Project 30x 0.00359.
gnomAD v4.1: 951 of 1,610,680 alleles (0.059%); highest among the groups gnomAD compares: African/African-American, 1.1%; 7 homozygotes.

Submission:

GeneDx
Classification: Likely benign. Last evaluated: 2018-06-14. Review status: criteria provided, single submitter. Criteria: GeneDx Variant Classification (06012015). Collection method: clinical testing. Allele origin: germline. Affected: yes.
Comment: This variant is considered likely benign or benign based on one or more of the following criteria: it is a conservative change, it occurs at a poorly conserved position in the protein, it is predicted to be benign by multiple in silico algorithms, and/or has population frequency not consistent with disease.